The following is an entry in ClinVar:

ClinVar aggregate classification (germline): Uncertain significance (1 of 4 stars; one submission).

Conditions:
Hereditary cancer-predisposing syndrome. Also called: Tumor predisposition; Neoplastic Syndromes, Hereditary; Hereditary Cancer Syndrome; Hereditary neoplastic syndrome. Identifiers: Orphanet 140162, MedGen C0027672, MeSH D009386, MONDO:0015356.

Submission:

Labcorp Genetics (formerly Invitae), Labcorp
Classification: Uncertain significance for Hereditary cancer-predisposing syndrome. Last evaluated: 2023-03-27. Review status: criteria provided, single submitter. Criteria: Invitae Variant Classification Sherloc (09022015). Collection method: clinical testing. Allele origin: germline.
Comment: In summary, the available evidence is currently insufficient to determine the role of this variant in disease. Therefore, it has been classified as a Variant of Uncertain Significance. Algorithms developed to predict the effect of sequence changes on RNA splicing suggest that this variant may create or strengthen a splice site. An algorithm developed to predict the effect of missense changes on protein structure and function (PolyPhen-2) suggests that this variant is likely to be tolerated. This variant has not been reported in the literature in individuals affected with RAD50-related conditions. This variant is not present in population databases (gnomAD no frequency). This sequence change replaces asparagine, which is neutral and polar, with lysine, which is basic and polar, at codon 416 of the RAD50 protein (p.Asn416Lys).

NM_005732.4(RAD50):c.1248T>G (p.Asn416Lys)

Gene: RAD50 (RAD50 double strand break repair protein; plus strand). Cytogenetic location: 5q31.1.
Variant type: single nucleotide variant.
Coding change: c.1248T>G on transcript NM_005732.4 (MANE Select); coding-DNA position 1248, T replaced by G.
Protein change: p.Asn416Lys; replaces asparagine 416 with lysine.
Molecular consequence: missense variant.
Genome position (GRCh38, 1-based): chr5:132,589,633, T>G. VCF-style: chr5-132589633-T-G. GRCh37 (hg19) VCF-style: chr5-131925325-T-G.
Other names: short protein forms N416K.
Identifiers: ClinVar variation 2839799 (VCV002839799.3), dbSNP rs1554098298, ClinGen allele CA360943551.